The following is an entry in ClinVar:

ClinVar aggregate classification (germline): Conflicting classifications of pathogenicity. Review status: criteria provided, conflicting classifications (1 of 4 stars). 11 submissions from 10 submitters: Uncertain significance (2); Benign (3); Likely benign (5). 1 of the submissions does not count toward it. Last evaluated 2026-03-01.

Conditions:
RYR2-related disorder. Also called: RYR2-related condition.
Cardiovascular phenotype. Identifiers: MedGen CN230736.
Catecholaminergic polymorphic ventricular tachycardia (CVPT). Also called: Catecholamine-induced polymorphic ventricular tachycardia. Identifiers: Orphanet 3286, MedGen C5574922, MONDO:0017990.
Cardiomyopathy (CMYO). Also called: Cardiomyopathies. Identifiers: Orphanet 167848, MedGen C0878544, MONDO:0004994, HP:0001638. Inheritance: Various modes of inheritance.
Catecholaminergic polymorphic ventricular tachycardia 1. Also called: RYR2-Related Catecholaminergic Polymorphic Ventricular Tachycardia; VENTRICULAR TACHYCARDIA, CATECHOLAMINERGIC POLYMORPHIC, 1, WITH OR WITHOUT ATRIAL DYSFUNCTION AND/OR DILATED CARDIOMYOPATHY; VENTRICULAR TACHYCARDIA, STRESS-INDUCED POLYMORPHIC 1. Identifiers: Orphanet 3286, MedGen C1631597, MONDO:0011484, OMIM 604772.
Arrhythmogenic right ventricular dysplasia 2. Identifiers: MedGen C1832931.

Allele frequency attached by ClinVar (database versions not stated): gnomAD exomes 0.00008 and 0.00016; gnomAD 0.00009; ExAC 0.00011; TOPMed 0.00011.
gnomAD v4.1: 146 of 1,613,786 alleles (0.009%); highest among the groups gnomAD compares: Non-Finnish European, 0.0011%; no homozygotes.

Submissions (11):

CeGaT Center for Human Genetics Tuebingen
Classification: Likely benign. Last evaluated: 2026-03-01. Review status: criteria provided, single submitter. Criteria: CeGaT Center For Human Genetics Tuebingen Variant Classification Criteria Version 2. Collection method: clinical testing. Allele origin: germline. Affected: yes. Observed: 7 variant alleles.
Comment: RYR2: BP4, BS1

Labcorp Genetics (formerly Invitae), Labcorp
Classification: Likely benign for Catecholaminergic polymorphic ventricular tachycardia 1. Last evaluated: 2026-02-01. Review status: criteria provided, single submitter. Criteria: Invitae Variant Classification Sherloc (09022015). Collection method: clinical testing. Allele origin: germline.

All of Us Research Program, National Institutes of Health
Classification: Benign for Catecholaminergic polymorphic ventricular tachycardia. Last evaluated: 2024-02-05. Review status: criteria provided, single submitter. Criteria: ACMG Guidelines, 2015. Collection method: clinical testing. Allele origin: germline. Inheritance: Autosomal dominant inheritance. Observed: 51 variant alleles, 51 heterozygotes.
Comment: This study involves interpretation of variants in research participants for the purpose of population health screening. Participant phenotype was not available at the time of variant classification. Additional details can be found in publication PMID: 35346344, PMCID: PMC8962531

Blueprint Genetics
Classification: Likely benign. Last evaluated: 2023-09-28. Review status: criteria provided, single submitter. Criteria: ACMG Guidelines, 2015. Collection method: clinical testing. Allele origin: germline.

GeneDx
Classification: Likely benign. Last evaluated: 2019-06-10. Review status: criteria provided, single submitter. Criteria: GeneDx Variant Classification Process June 2021. Collection method: clinical testing. Allele origin: germline. Affected: yes.

Women's Health and Genetics/Laboratory Corporation of America, LabCorp
Classification: Benign. Last evaluated: 2019-04-16. Review status: criteria provided, single submitter. Criteria: LabCorp Variant Classification Summary - May 2015. Collection method: clinical testing. Allele origin: germline.
Comment: Variant summary: RYR2 c.4044G>A alters a conserved nucleotide resulting in a synonymous change. 5/5 computational tools predict no significant impact on normal splicing. However, these predictions have yet to be confirmed by functional studies. The variant allele was found at a frequency of 0.00015 in 280186 control chromosomes, predominantly at a frequency of 0.0037 within the Ashkenazi Jewish subpopulation in the gnomAD database. The observed variant frequency within Ashkenazi Jewish control individuals in the gnomAD database is approximately 61 fold of the estimated maximal expected allele frequency for a pathogenic variant in RYR2 causing Arrhythmia phenotype (6e-05), strongly suggesting that the variant is a benign polymorphism found primarily in populations of Ashkenazi Jewish origin. To our knowledge, no occurrence of c.4044G>A in individuals affected with Arrhythmia and no experimental evidence demonstrating its impact on protein function have been reported. Four clinical diagnostic laboratories have submitted clinical-significance assessments for this variant to ClinVar after 2014 without evidence for independent evaluation (1x VUS, 3x likely benign). Based on the evidence outlined above, the variant was classified as benign.

Color Diagnostics, LLC DBA Color Health
Classification: Benign for Cardiomyopathy. Last evaluated: 2018-10-02. Review status: criteria provided, single submitter. Criteria: ACMG Guidelines, 2015. Collection method: clinical testing. Allele origin: germline.

Illumina Laboratory Services, Illumina
Classification: Uncertain significance for Catecholaminergic polymorphic ventricular tachycardia 1. Last evaluated: 2018-01-13. Review status: criteria provided, single submitter. Criteria: ICSL Variant Classification Criteria 13 December 2019. Collection method: clinical testing. Allele origin: germline.

Illumina Laboratory Services, Illumina
Classification: Uncertain significance for Catecholaminergic polymorphic ventricular tachycardia 1. Last evaluated: 2018-01-13. Review status: criteria provided, single submitter. Criteria: ICSL Variant Classification Criteria 13 December 2019. Collection method: clinical testing. Allele origin: germline.

Ambry Genetics
Classification: Likely benign for Cardiovascular phenotype. Last evaluated: 2016-12-01. Review status: criteria provided, single submitter. Criteria: Ambry Variant Classification Scheme 2023. Collection method: clinical testing. Allele origin: germline.

PreventionGenetics, part of Exact Sciences
Classification: Likely benign for RYR2-related condition. Last evaluated: 2024-05-03. Review status: no assertion criteria provided. Collection method: clinical testing. Allele origin: germline. Not counted in ClinVar's aggregate classification.
Comment: This variant is classified as likely benign based on ACMG/AMP sequence variant interpretation guidelines (Richards et al. 2015 PMID: 25741868, with internal and published modifications).

NM_001035.3(RYR2):c.4044G>A (p.Lys1348=)

Genes: RYR2 (ryanodine receptor 2; plus strand), LOC126806067 (BRD4-independent group 4 enhancer GRCh37_chr1:237753258-237754457; plus strand). Cytogenetic location: 1q43.
Variant type: single nucleotide variant.
Coding change: c.4044G>A on transcript NM_001035.3 (MANE Select); coding-DNA position 4044, G replaced by A.
Protein change: p.Lys1348=; no amino-acid change (lysine 1348 retained).
Molecular consequence: synonymous variant.
Genome position (GRCh38, 1-based): chr1:237,590,876, G>A. VCF-style: chr1-237590876-G-A. GRCh37 (hg19) VCF-style: chr1-237754176-G-A.
Other names: c.4044G>A, p.Lys1348= (LRG_402t1).
Identifiers: ClinVar variation 296722 (VCV000296722.59), dbSNP rs755391572, ClinGen allele CA086525.